The following is an entry in ClinVar:

ClinVar aggregate classification (germline): Conflicting classifications of pathogenicity. Review status: criteria provided, conflicting classifications (1 of 4 stars). 12 submissions from 12 submitters: Uncertain significance (1); Benign (6); Likely benign (1). 4 of the submissions do not count toward it. Last evaluated 2026-02-04.

Conditions:
Autosomal recessive limb-girdle muscular dystrophy type 2B (LGMDR2). Also called: MUSCULAR DYSTROPHY, LIMB-GIRDLE, TYPE 3; Limb-Girdle Muscular Dystrophy Type 2B (LGMD2B); Limb-girdle muscular dystrophy, type 2B; MUSCULAR DYSTROPHY, LIMB-GIRDLE, AUTOSOMAL RECESSIVE 2. Identifiers: Orphanet 268, MedGen C1850889, MONDO:0009676, OMIM 253601.
Neuromuscular disease caused by qualitative or quantitative defects of dysferlin. Also called: Dysferlinopathy; Qualitative or quantitative defects of dysferlin. Identifiers: Orphanet 207073, MedGen C2931687, MONDO:0016145.

Allele frequency attached by ClinVar (database versions not stated): gnomAD exomes 0.02341 and 0.01809; 1000 Genomes Project 0.00739; 1000 Genomes Project 30x 0.00796; TOPMed 0.01598; gnomAD 0.01628 and 0.01642; ExAC 0.01763; ESP Exome Variant Server 0.01991.
gnomAD v4.1: 36,649 of 1,614,160 alleles (2.3%); highest among the groups gnomAD compares: Non-Finnish European, 2.6%; 487 homozygotes.

Submissions (12):

Labcorp Genetics (formerly Invitae), Labcorp
Classification: Benign for Neuromuscular disease caused by qualitative or quantitative defects of dysferlin. Last evaluated: 2026-02-04. Review status: criteria provided, single submitter. Criteria: Invitae Variant Classification Sherloc (09022015). Collection method: clinical testing. Allele origin: germline.

Athena Diagnostics
Classification: Benign. Last evaluated: 2025-11-05. Review status: criteria provided, single submitter. Criteria: Athena Diagnostics Criteria. Collection method: clinical testing. Allele origin: unknown.
Comment: The frequency of this variant in the general population is higher than would generally be expected for pathogenic variants in this gene. Computational tools yielded predictions that this variant is unlikely to have an effect on normal RNA splicing. This nucleotide position exhibits low evolutionary conservation.

Blueprint Genetics
Classification: Likely benign. Last evaluated: 2024-11-26. Review status: criteria provided, single submitter. Criteria: ACMG Guidelines, 2015. Collection method: clinical testing. Allele origin: germline.

Illumina Laboratory Services, Illumina
Classification: Uncertain significance for Qualitative or quantitative defects of dysferlin. Last evaluated: 2018-01-12. Review status: criteria provided, single submitter. Criteria: ICSL Variant Classification Criteria 13 December 2019. Collection method: clinical testing. Allele origin: germline.

Mayo Clinic Laboratories, Mayo Clinic
Classification: Benign. Last evaluated: 2017-10-05. Review status: criteria provided, single submitter. Criteria: ACMG Guidelines, 2015. Collection method: clinical testing. Allele origin: germline. Observed: 59 variant alleles.

GeneDx
Classification: Benign. Last evaluated: 2016-02-29. Review status: criteria provided, single submitter. Criteria: GeneDx Variant Classification (06012015). Collection method: clinical testing. Allele origin: germline. Affected: yes.
Comment: This variant is considered likely benign or benign based on one or more of the following criteria: it is a conservative change, it occurs at a poorly conserved position in the protein, it is predicted to be benign by multiple in silico algorithms, and/or has population frequency not consistent with disease.

Eurofins Ntd Llc (ga)
Classification: Benign. Last evaluated: 2013-07-29. Review status: criteria provided, single submitter. Criteria: EGL Classification Definitions 2015. Collection method: clinical testing. Allele origin: germline. Observed: 8 variant alleles, 7 heterozygotes, 1 homozygote.

PreventionGenetics, part of Exact Sciences
Classification: Benign. Review status: criteria provided, single submitter. Criteria: ACMG Guidelines, 2015. Collection method: clinical testing. Allele origin: germline.

Natera, Inc.
Classification: Benign for Limb-girdle muscular dystrophy type 2B. Last evaluated: 2020-09-16. Review status: no assertion criteria provided. Collection method: clinical testing. Allele origin: germline. Not counted in ClinVar's aggregate classification.

Clinical Genetics, Academic Medical Center
Classification: Benign. Review status: no assertion criteria provided. Collection method: clinical testing. Allele origin: germline. Affected: yes. Study: VKGL Data-share Consensus. Not counted in ClinVar's aggregate classification.

Genetic Services Laboratory, University of Chicago
Classification: Likely benign for AllHighlyPenetrant. Review status: no assertion criteria provided. Collection method: clinical testing. Allele origin: germline. Inheritance: Autosomal recessive inheritance. Not counted in ClinVar's aggregate classification.
Comment: Likely benign based on allele frequency in 1000 Genomes Project or ESP global frequency and its presence in a patient with a rare or unrelated disease phenotype. NOT Sanger confirmed.

Laboratory of Diagnostic Genome Analysis, Leiden University Medical Center (LUMC)
Classification: Likely benign. Review status: no assertion criteria provided. Collection method: clinical testing. Allele origin: germline. Affected: yes. Study: VKGL Data-share Consensus. Not counted in ClinVar's aggregate classification.

Literature cited by the submitters: PubMed 18853459 (cited by Athena Diagnostics); PubMed 25493284 (cited by Athena Diagnostics); PubMed 17828519 (cited by Athena Diagnostics).

NM_001130987.2(DYSF):c.4848G>A (p.Glu1616=)

Gene: DYSF (dysferlin; plus strand). Cytogenetic location: 2p13.2.
Variant type: single nucleotide variant.
Coding change: c.4848G>A on transcript NM_001130987.2 (MANE Select); coding-DNA position 4848, G replaced by A.
Protein change: p.Glu1616=; no amino-acid change (glutamic acid 1616 retained).
Molecular consequence: synonymous variant.
Genome position (GRCh38, 1-based): chr2:71,658,970, G>A. VCF-style: chr2-71658970-G-A. GRCh37 (hg19) VCF-style: chr2-71886100-G-A.
Other names: p.Glu1577=; c.4734G>A, p.Glu1578= (NM_001130455.2); c.4689G>A, p.Glu1563= (NM_001130976.2); c.4752G>A, p.Glu1584= (NM_001130977.2); c.4794G>A, p.Glu1598= (NM_001130978.2); c.4824G>A, p.Glu1608= (NM_001130979.2); c.4782G>A, p.Glu1594= (NM_001130980.2); c.4845G>A, p.Glu1615= (NM_001130981.2); and 6 more.
Identifiers: ClinVar variation 94328 (VCV000094328.31), dbSNP rs62145939, ClinGen allele CA147764.